The following is an entry in ClinVar:

NM_004415.4(DSP):c.2858T>C (p.Leu953Pro)

Gene: DSP (desmoplakin; plus strand). Cytogenetic location: 6p24.3.
Variant type: single nucleotide variant.
Coding change: c.2858T>C on transcript NM_004415.4 (MANE Select); coding-DNA position 2858, T replaced by C.
Protein change: p.Leu953Pro; replaces leucine 953 with proline.
Molecular consequence: missense variant.
Genome position (GRCh38, 1-based): chr6:7,577,023, T>C. VCF-style: chr6-7577023-T-C. GRCh37 (hg19) VCF-style: chr6-7577256-T-C.
Other names: c.2858T>C, p.Leu953Pro (NM_001008844.3, NM_001319034.2); c.2858T>C (LRG_423t1, NM_004415.3); short protein forms L953P.
Identifiers: ClinVar variation 392069 (VCV000392069.22), dbSNP rs745641212, ClinGen allele CA035758.
Genomic context (GRCh38, chr6:7,577,023, plus strand): 5'-TGCACAGTGAAATATCTGGCAAACGAGACAAATCAGAGGAAGTACAAAAAATTGCTGAAC[T>C]TTGCGCCAATTCAATTAAGGTATGTTGGTTTCATAAAGAATGTTGGTATTTCACCAAGAT-3'
Protein context (NP_004406.2, residues 943-963): KSEEVQKIAE[Leu953Pro]CANSIKDYEL

ClinVar aggregate classification (germline): Conflicting classifications of pathogenicity. Review status: criteria provided, conflicting classifications (1 of 4 stars). 7 submissions from 7 submitters: Uncertain significance (6); Likely benign (1). Last evaluated 2025-07-22.

Conditions:
DSP-related disorder. Also called: DSP-related disorders; DSP-related condition.
Arrhythmogenic right ventricular cardiomyopathy (ARVD). Also called: Arrhythmogenic cardiomyopathy; Arrhythmogenic Right Ventricular Cardiomyopathy (ARVC); Arrhythmogenic right ventricular dysplasia; Cardiomyopathy, ARVC. Identifiers: Orphanet 247, MedGen C0349788, MeSH D019571, MONDO:0016587. Disease mechanism: loss of function. Inheritance: Various modes of inheritance.
Cardiomyopathy, dilated, with wooly hair, keratoderma, and tooth agenesis. Also called: Cardiomyopathy, dilated, with woolly hair, keratoderma, and tooth agenesis; Erythrokeratodermia-cardiomyopathy syndrome. Identifiers: Orphanet 476096, Orphanet 65282, MedGen C4014393, MONDO:0014355, OMIM 615821.
Arrhythmogenic cardiomyopathy with wooly hair and keratoderma. Also called: PALMOPLANTAR KERATODERMA WITH LEFT VENTRICULAR CARDIOMYOPATHY AND WOOLLY HAIR; Carvajal syndrome; Arrhythmogenic cardiomyopathy with woolly hair and keratoderma; Dilated cardiomyopathy with woolly hair and keratoderma. Identifiers: Orphanet 65282, MedGen C1854063, MONDO:0011581, OMIM 605676.
Keratosis palmoplantaris striata 2. Also called: KERATODERMA, PALMOPLANTAR, STRIATE FORM II; STRIATE PALMOPLANTAR KERATODERMA II; Keratosis palmoplantaris striata II. Identifiers: MedGen C1852127, MONDO:0013034, OMIM 612908.
Arrhythmogenic right ventricular dysplasia 8 (ARVD8). Also called: ARRHYTHMOGENIC RIGHT VENTRICULAR DYSPLASIA, FAMILIAL, 8; ARRHYTHMOGENIC RIGHT VENTRICULAR CARDIOMYOPATHY 8; Arrhythmogenic Right Ventricular Dysplasia/Cardiomyopathy 8. Identifiers: MedGen C1843896, MONDO:0011831, OMIM 607450.
Lethal acantholytic epidermolysis bullosa (EBLA). Identifiers: Orphanet 158687, MedGen C1864826, MONDO:0012323, OMIM 609638.
Woolly hair-skin fragility syndrome (WHSF). Identifiers: Orphanet 293165, MedGen C1843292, MONDO:0957307, OMIM 620415.
Cardiovascular phenotype. Identifiers: MedGen CN230736.
Cardiomyopathy (CMYO). Also called: Cardiomyopathies. Identifiers: Orphanet 167848, MedGen C0878544, MONDO:0004994, HP:0001638. Inheritance: Various modes of inheritance.

Allele frequency attached by ClinVar (database versions not stated): gnomAD 0.00001; gnomAD exomes 0.00001 and 0.00003; ExAC 0.00002; TOPMed 0.00002.
gnomAD v4.1: 49 of 1,611,636 alleles (0.003%); highest among the groups gnomAD compares: Non-Finnish European, 0.0041%; no homozygotes.

Submissions (7):

Ambry Genetics
Classification: Uncertain significance for Cardiovascular phenotype. Last evaluated: 2025-07-22. Review status: criteria provided, single submitter. Criteria: Ambry Variant Classification Scheme 2023. Collection method: clinical testing. Allele origin: germline.
Comment: The p.L953P variant (also known as c.2858T>C), located in coding exon 20 of the DSP gene, results from a T to C substitution at nucleotide position 2858. The leucine at codon 953 is replaced by proline, an amino acid with similar properties. This amino acid position is conserved. In addition, the in silico prediction for this alteration is inconclusive. Since supporting evidence is limited at this time, the clinical significance of this alteration remains unclear.

Labcorp Genetics (formerly Invitae), Labcorp
Classification: Likely benign for Arrhythmogenic cardiomyopathy with wooly hair and keratoderma; Arrhythmogenic right ventricular dysplasia 8. Last evaluated: 2025-03-11. Review status: criteria provided, single submitter. Criteria: Invitae Variant Classification Sherloc (09022015). Collection method: clinical testing. Allele origin: germline.

PreventionGenetics, part of Exact Sciences
Classification: Uncertain significance for DSP-related condition. Last evaluated: 2024-11-03. Review status: criteria provided, single submitter. Criteria: ACMG Guidelines, 2015. Collection method: clinical testing. Allele origin: germline.
Comment: The DSP c.2858T>C variant is predicted to result in the amino acid substitution p.Leu953Pro. This variant has been reported in one case of sudden unexpected infant death (Bard et al. 2024. PubMed ID: 38895864). This variant was also reported in an individual with atrial fibrillation and other clinical features (patient ID #P0004023 in supplementary tables, Similuk et al. 2022. PubMed ID: 35753512). This variant is reported in 0.0027% of alleles in individuals of European (Non-Finnish) descent in gnomAD. At this time, the clinical significance of this variant is uncertain due to the absence of conclusive functional and genetic evidence.

All of Us Research Program, National Institutes of Health
Classification: Uncertain significance for Arrhythmogenic cardiomyopathy with wooly hair and keratoderma. Last evaluated: 2024-09-11. Review status: criteria provided, single submitter. Criteria: ACMG Guidelines, 2015. Collection method: clinical testing. Allele origin: germline. Inheritance: Autosomal dominant inheritance. Observed: 11 variant alleles, 11 heterozygotes.
Comment: This missense variant replaces leucine with proline at codon 953 of the DSP protein. Computational prediction suggests that this variant may not impact protein structure and function (internally defined REVEL score threshold <= 0.5, PMID: 27666373). To our knowledge, functional studies have not been reported for this variant. This variant has not been reported in individuals affected with DSP-related disorders in the literature. This variant has been identified in 3/249016 chromosomes in the general population by the Genome Aggregation Database (gnomAD). The available evidence is insufficient to determine the role of this variant in disease conclusively. Therefore, this variant is classified as a Variant of Uncertain Significance.

This study involves interpretation of variants in research participants for the purpose of population health screening. Participant phenotype was not available at the time of variant classification. Additional details can be found in publication PMID: 35346344, PMCID: PMC8962531

Color Diagnostics, LLC DBA Color Health
Classification: Uncertain significance for Cardiomyopathy. Last evaluated: 2024-03-06. Review status: criteria provided, single submitter. Criteria: ACMG Guidelines, 2015. Collection method: clinical testing. Allele origin: germline.
Comment: This missense variant replaces leucine with proline at codon 953 of the DSP protein. Computational prediction suggests that this variant may not impact protein structure and function (internally defined REVEL score threshold <= 0.5, PMID: 27666373). To our knowledge, functional studies have not been reported for this variant. This variant has not been reported in individuals affected with DSP-related disorders in the literature. This variant has been identified in 3/249016 chromosomes in the general population by the Genome Aggregation Database (gnomAD). The available evidence is insufficient to determine the role of this variant in disease conclusively. Therefore, this variant is classified as a Variant of Uncertain Significance.

GeneDx
Classification: Uncertain significance. Last evaluated: 2021-10-29. Review status: criteria provided, single submitter. Criteria: GeneDx Variant Classification Process June 2021. Collection method: clinical testing. Allele origin: germline. Affected: yes.
Comment: Has not been previously published as pathogenic or benign to our knowledge; Not observed at significant frequency in large population cohorts (Lek et al., 2016); In silico analysis supports that this missense variant does not alter protein structure/function; Reported in ClinVar as a variant of uncertain significance (ClinVar Variant ID# 392069; Landrum et al., 2016)

Fulgent Genetics
Classification: Uncertain significance for Arrhythmogenic cardiomyopathy with wooly hair and keratoderma; Arrhythmogenic right ventricular dysplasia 8; Lethal acantholytic epidermolysis bullosa; Keratosis palmoplantaris striata 2; Cardiomyopathy, dilated, with wooly hair, keratoderma, and tooth agenesis. Last evaluated: 2021-09-10. Review status: criteria provided, single submitter. Criteria: ACMG Guidelines, 2015. Collection method: clinical testing. Allele origin: unknown.